The following is an entry in ClinVar:

ClinVar aggregate classification (germline): Conflicting classifications of pathogenicity. Review status: criteria provided, conflicting classifications (1 of 4 stars). 2 submissions from 2 submitters: Uncertain significance (1); Likely benign (1). Last evaluated 2025-06-23.

Conditions:
Inborn genetic diseases. Identifiers: MedGen C0950123, MeSH D030342.

Allele frequency attached by ClinVar (database versions not stated): gnomAD 0.00001; gnomAD exomes 0.00001; ExAC 0.00003.
gnomAD v4.1: 12 of 1,614,010 alleles (0.00074%); highest among the groups gnomAD compares: Middle Eastern, 0.016%; no homozygotes.

Submissions (2):

Ambry Genetics
Classification: Likely benign for Inborn genetic diseases. Last evaluated: 2025-06-23. Review status: criteria provided, single submitter. Criteria: Ambry Variant Classification Scheme 2023. Collection method: clinical testing. Allele origin: germline.

Labcorp Genetics (formerly Invitae), Labcorp
Classification: Uncertain significance. Last evaluated: 2022-12-04. Review status: criteria provided, single submitter. Criteria: Invitae Variant Classification Sherloc (09022015). Collection method: clinical testing. Allele origin: germline.
Comment: In summary, the available evidence is currently insufficient to determine the role of this variant in disease. Therefore, it has been classified as a Variant of Uncertain Significance. Algorithms developed to predict the effect of missense changes on protein structure and function output the following: SIFT: "Tolerated"; PolyPhen-2: "Benign"; Align-GVGD: "Class C0". The serine amino acid residue is found in multiple mammalian species, which suggests that this missense change does not adversely affect protein function. This variant has not been reported in the literature in individuals affected with ASXL1-related conditions. This variant is present in population databases (rs779180512, gnomAD 0.004%). This sequence change replaces asparagine, which is neutral and polar, with serine, which is neutral and polar, at codon 971 of the ASXL1 protein (p.Asn971Ser).

NM_015338.6(ASXL1):c.2912A>G (p.Asn971Ser)

Gene: ASXL1 (ASXL transcriptional regulator 1; plus strand). Cytogenetic location: 20q11.21.
Variant type: single nucleotide variant.
Coding change: c.2912A>G on transcript NM_015338.6 (MANE Select); coding-DNA position 2912, A replaced by G.
Protein change: p.Asn971Ser; replaces asparagine 971 with serine.
Molecular consequence: missense variant.
Genome position (GRCh38, 1-based): chr20:32,435,624, A>G. VCF-style: chr20-32435624-A-G. GRCh37 (hg19) VCF-style: chr20-31023427-A-G.
Other names: c.2729A>G, p.Asn910Ser (NM_001363734.1); short protein forms N910S, N971S.
Identifiers: ClinVar variation 1916749 (VCV001916749.7), dbSNP rs779180512, ClinGen allele CA9808717.